The following is an entry in ClinVar:

ClinVar aggregate classification (germline): Conflicting classifications of pathogenicity. Review status: criteria provided, conflicting classifications (1 of 4 stars). 2 submissions from 2 submitters: Uncertain significance (1); Benign (1). Last evaluated 2019-07-12.

Conditions:
MELAS syndrome (MELAS). Also called: Juvenile myopathy, encephalopathy, lactic acidosis, stroke. Identifiers: Orphanet 550, MedGen C0162671, MONDO:0010789, OMIM 540000.

Submissions (2):

Wong Mito Lab, Molecular and Human Genetics, Baylor College of Medicine
Classification: Benign for MELAS syndrome. Last evaluated: 2019-07-12. Review status: criteria provided, single submitter. Criteria: Modified ACMG Guidelines (Unpublished). Collection method: clinical testing. Allele origin: germline.
Comment: The NC_012920.1:m.4277T>C variant in MT-TI gene is interpreted to be a Benign variant based on the modified ACMG guidelines (unpublished). This variant meets the following evidence codes reported in the guidelines: BS1, BS4, BP4

Stanford Center for Inherited Cardiovascular Disease, Stanford University
Classification: Uncertain significance. Last evaluated: 2011-11-09. Review status: criteria provided, single submitter. Criteria: ACMG Guidelines, 2015. Collection method: provider interpretation. Allele origin: germline.

Literature cited by the submitters: PubMed 31965079 (cited by Wong Mito Lab, Molecular and Human Genetics, Baylor College of Medicine).

NC_012920.1(MT-TI):m.4277T>C

Gene: MT-TI (mitochondrially encoded tRNA isoleucine; plus strand).
Variant type: single nucleotide variant.
Genome position: chrM-4277-T-C.
Identifiers: ClinVar variation 235012 (VCV000235012.5), dbSNP rs876661358, ClinGen allele CA10581200.
Genomic context (GRCh38, chrMT:4,277, plus strand): 5'-ATGTCTCCATACCCATTACAATCTCCAGCATTCCCCCTCAAACCTAAGAAATATGTCTGA[T>C]AAAAGAGTTACTTTGATAGAGTAAATAATAGGAGCTTAAACCCCCTTATTTCTAGGACTA-3'